The following is an entry in ClinVar:

NM_001042492.3(NF1):c.1661A>G (p.Gln554Arg)

Gene: NF1 (neurofibromin 1; plus strand). Cytogenetic location: 17q11.2.
Variant type: single nucleotide variant.
Coding change: c.1661A>G on transcript NM_001042492.3 (MANE Select); coding-DNA position 1661, A replaced by G.
Protein change: p.Gln554Arg; replaces glutamine 554 with arginine.
Molecular consequence: missense variant.
Genome position (GRCh38, 1-based): chr17:31,221,869, A>G. VCF-style: chr17-31221869-A-G. GRCh37 (hg19) VCF-style: chr17-29548887-A-G.
Other names: c.1661A>G, p.Gln554Arg (NM_000267.4, NM_001128147.3); short protein forms Q554R.
Identifiers: ClinVar variation 216395 (VCV000216395.16), dbSNP rs863224656, ClinGen allele CA338936.

ClinVar aggregate classification (germline): Conflicting classifications of pathogenicity. Review status: criteria provided, conflicting classifications (1 of 4 stars). 6 submissions from 5 submitters: Uncertain significance (5); Likely benign (1). Last evaluated 2026-09-01.

Conditions:
Cardiovascular phenotype. Identifiers: MedGen CN230736.
Hereditary cancer-predisposing syndrome. Also called: Tumor predisposition; Neoplastic Syndromes, Hereditary; Hereditary Cancer Syndrome; Hereditary neoplastic syndrome. Identifiers: Orphanet 140162, MedGen C0027672, MeSH D009386, MONDO:0015356.
Neurofibromatosis, type 1 (NF1). Also called: NEUROFIBROMATOSIS, TYPE I, SOMATIC; VON RECKLINGHAUSEN DISEASE; Peripheral type neurofibromatosis; Neurofibromatosis, type I. Identifiers: Orphanet 636, MedGen C0027831, MONDO:0018975, OMIM 162200. Disease mechanism: loss of function.
Juvenile myelomonocytic leukemia (JMML). Also called: LEUKEMIA, JUVENILE MYELOMONOCYTIC, SOMATIC. Identifiers: Orphanet 86834, MedGen C0349639, MONDO:0011908, OMIM 607785, HP:0012209.

Submissions (6):

Ambry Genetics
Classification: Uncertain significance for Cardiovascular phenotype; Hereditary cancer-predisposing syndrome. Last evaluated: 2026-09-01. Review status: criteria provided, single submitter. Criteria: Ambry Variant Classification Scheme 2023. Collection method: clinical testing. Allele origin: germline.

Labcorp Genetics (formerly Invitae), Labcorp
Classification: Likely benign for Neurofibromatosis, type 1. Last evaluated: 2025-12-03. Review status: criteria provided, single submitter. Criteria: Invitae Variant Classification Sherloc (09022015). Collection method: clinical testing. Allele origin: germline.

Baylor Genetics
Classification: Uncertain significance for Juvenile myelomonocytic leukemia. Last evaluated: 2023-05-22. Review status: criteria provided, single submitter. Criteria: ACMG Guidelines, 2015. Collection method: clinical testing. Allele origin: unknown.

Genome-Nilou Lab
Classification: Uncertain significance for Neurofibromatosis, type 1. Last evaluated: 2022-03-15. Review status: criteria provided, single submitter. Criteria: ACMG Guidelines, 2015. Collection method: clinical testing. Allele origin: germline. Affected: no.

GeneDx
Classification: Uncertain significance. Last evaluated: 2020-10-06. Review status: criteria provided, single submitter. Criteria: GeneDx Variant Classification Process June 2021. Collection method: clinical testing. Allele origin: germline. Affected: yes.
Comment: Missense variants in nearby residues reported in the Human Gene Mutation Database in individuals with Neurofibromatosis type 1 (Stenson et al., 2014); Not observed in large population cohorts (Lek et al., 2016); In silico analysis, which includes splice predictors and evolutionary conservation, suggests this variant may impact gene splicing. In the absence of RNA/functional studies, the actual effect of this sequence change is unknown.; In silico analysis supports that this missense variant does not alter protein structure/function; Has not been previously published as pathogenic or benign to our knowledge

Ambry Genetics
Classification: Uncertain significance for Hereditary cancer-predisposing syndrome. Last evaluated: 2015-10-13. Review status: criteria provided, single submitter. Criteria: Ambry Autosomal Dominant and X-Linked criteria (10/2015). Collection method: clinical testing. Allele origin: germline. Observed: 1 variant allele.
Comment: The p.Q554R variant (also known as c.1661A>G), located in coding exon 15 of the NF1 gene, results from an A to G substitution at nucleotide position 1661. The glutamine at codon 554 is replaced by arginine, an amino acid with highly similar properties. This variant was not reported in population based cohorts in the following databases: Database of Single Nucleotide Polymorphisms (dbSNP), NHLBI Exome Sequencing Project (ESP), and 1000 Genomes Project. In the ESP, this variant was not observed in 6497 samples (12994 alleles) with coverage at this position. To date, this alteration has been detected with an allele frequency of approximately 0.002% (greater than 55000alleles tested) in our clinical cohort.This amino acid position is highly conserved in available vertebrate species. In addition, this alteration is predicted to be deleterious by in silico analysis.Since supporting evidence is limited at this time, the clinical significance of p.Q554Rremains unclear.